The following is an entry in ClinVar:

NM_174916.3(UBR1):c.3700C>A (p.Arg1234=)

Gene: UBR1 (ubiquitin protein ligase E3 component n-recognin 1; minus strand). Cytogenetic location: 15q15.2.
Variant type: single nucleotide variant.
Coding change: c.3700C>A on transcript NM_174916.3 (MANE Select); coding-DNA position 3700, C replaced by A.
Protein change: p.Arg1234=; no amino-acid change (arginine 1234 retained).
Molecular consequence: synonymous variant.
Genome position (GRCh38, 1-based): chr15:42,998,225, G>T on the plus strand (C>A on the coding strand, the complement: UBR1 is on the minus strand). VCF-style: chr15-42998225-G-T. GRCh37 (hg19) VCF-style: chr15-43290423-G-T.
Other names: c.3700C>A (NM_174916.2).
Identifiers: ClinVar variation 1597792 (VCV001597792.9), dbSNP rs770295197, ClinGen allele CA7518107.

ClinVar aggregate classification (germline): Likely benign. Review status: criteria provided, multiple submitters, no conflicts (2 of 4 stars). 2 submissions from 2 submitters: Likely benign (2). Last evaluated 2025-12-10.

Conditions:
UBR1-related disorder. Also called: UBR1-related condition.

gnomAD v4.1: 85 of 1,613,784 alleles (0.0053%); highest among the groups gnomAD compares: Admixed American, 0.032%; no homozygotes.

Submissions (2):

Labcorp Genetics (formerly Invitae), Labcorp
Classification: Likely benign. Last evaluated: 2025-12-10. Review status: criteria provided, single submitter. Criteria: Invitae Variant Classification Sherloc (09022015). Collection method: clinical testing. Allele origin: germline.

PreventionGenetics, part of Exact Sciences
Classification: Likely benign for UBR1-related condition. Last evaluated: 2025-06-03. Review status: criteria provided, single submitter. Criteria: ACMG Guidelines, 2015. Collection method: clinical testing. Allele origin: germline.
Comment: This variant is classified as likely benign based on ACMG/AMP sequence variant interpretation guidelines (Richards et al. 2015 PMID: 25741868, with internal and published modifications).